The following is an entry in ClinVar:

NM_000071.3(CBS):c.65A>G (p.His22Arg)

Gene: CBS (cystathionine beta-synthase; minus strand). Cytogenetic location: 21q22.3.
Variant type: single nucleotide variant.
Coding change: c.65A>G on transcript NM_000071.3 (MANE Select); coding-DNA position 65, A replaced by G.
Protein change: p.His22Arg; replaces histidine 22 with arginine.
Molecular consequence: missense variant.
Genome position (GRCh38, 1-based): chr21:43,072,129, T>C on the plus strand (A>G on the coding strand, the complement: CBS is on the minus strand). VCF-style: chr21-43072129-T-C. GRCh37 (hg19) VCF-style: chr21-44492239-T-C.
Other names: p.H22R:CAC>CGC; p.His22Arg; c.65A>G, p.His22Arg (NM_001178008.3, NM_001178009.3, NM_001320298.2); short protein forms H22R.
Identifiers: ClinVar variation 212870 (VCV000212870.16), dbSNP rs763151207, ClinGen allele CA321891.
Genomic context (GRCh38, chr21:43,072,129, plus strand): 5'-AGGGGCTCCTTGGCTTCCTTATCCTCTGGGGACCCCTTCTCCAGGCTCCCCTTCGCCGAG[T>C]GTGGCCCTGAGCGGTGGGGGCAGCCTGTGGGCCCCACTTCTGCCTGGGGGGTCTCAGAAG-3'
Protein context (NP_000062.1, residues 12-32): PTGCPHRSGP[His22Arg]SAKGSLEKGS

ClinVar aggregate classification (germline): Uncertain significance. Review status: criteria provided, multiple submitters, no conflicts (2 of 4 stars). 7 submissions from 7 submitters: Uncertain significance (6). 1 of the submissions does not count toward it. Last evaluated 2026-04-01.

Conditions:
Familial thoracic aortic aneurysm and aortic dissection (TAAD). Also called: Thoracic aortic aneurysms and dissections. Identifiers: Orphanet 91387, MedGen C4707243, MONDO:0019625.
Classic homocystinuria. Also called: HOMOCYSTINURIA WITH OR WITHOUT RESPONSE TO PYRIDOXINE; Homocystinuria due to Cystathionine Beta-Synthase Deficiency; Homocystinuria due to CBS deficiency; Cystathionine beta-synthase deficiency; CBS deficiency. Identifiers: Orphanet 394, MedGen C0751202, MONDO:0009352, OMIM 236200.
HYPERHOMOCYSTEINEMIA, THROMBOTIC, CBS-RELATED. Identifiers: MedGen C3150344, OMIM 236200.

Allele frequency attached by ClinVar (database versions not stated): ExAC 0.00004; gnomAD exomes 0.00004; gnomAD 0.00006.

Submissions (7):

CeGaT Center for Human Genetics Tuebingen
Classification: Uncertain significance. Last evaluated: 2026-04-01. Review status: criteria provided, single submitter. Criteria: CeGaT Center For Human Genetics Tuebingen Variant Classification Criteria Version 2. Collection method: clinical testing. Allele origin: germline. Affected: yes. Observed: 1 variant allele.
Comment: CBS: PM2

GeneDx
Classification: Uncertain significance. Last evaluated: 2025-11-18. Review status: criteria provided, single submitter. Criteria: GeneDx Variant Classification Process June 2021. Collection method: clinical testing. Allele origin: germline. Affected: yes.
Comment: Not observed at significant frequency in large population cohorts (gnomAD); In silico analysis suggests that this missense variant does not alter protein structure/function; Has not been previously published as pathogenic or benign to our knowledge

Ambry Genetics
Classification: Uncertain significance for Familial thoracic aortic aneurysm and aortic dissection. Last evaluated: 2024-12-02. Review status: criteria provided, single submitter. Criteria: Ambry Variant Classification Scheme 2023. Collection method: clinical testing. Allele origin: germline.
Comment: The p.H22R variant (also known as c.65A>G), located in coding exon 1 of the CBS gene, results from an A to G substitution at nucleotide position 65. The histidine at codon 22 is replaced by arginine, an amino acid with highly similar properties. This amino acid position is not well conserved in available vertebrate species. In addition, this alteration is predicted to be tolerated by in silico analysis. Based on the available evidence, the clinical significance of this variant remains unclear.

Women's Health and Genetics/Laboratory Corporation of America, LabCorp
Classification: Uncertain significance. Last evaluated: 2024-07-09. Review status: criteria provided, single submitter. Criteria: LabCorp Variant Classification Summary - May 2015. Collection method: clinical testing. Allele origin: germline.
Comment: Variant summary: CBS c.65A>G (p.His22Arg) results in a non-conservative amino acid change in the encoded protein sequence. Three of five in-silico tools predict a benign effect of the variant on protein function. The variant allele was found at a frequency of 3.6e-05 in 246716 control chromosomes. The available data on variant occurrences in the general population are insufficient to allow any conclusion about variant significance. c.65A>G has been reported in the literature on one allele in a cohort of individuals with pediatric or perinatal stroke (e.g. Grossi_2020). These report(s) do not provide unequivocal conclusions about association of the variant with Homocystinuria. To our knowledge, no experimental evidence demonstrating an impact on protein function has been reported. The following publication have been ascertained in the context of this evaluation (PMID: 32818659). ClinVar contains an entry for this variant (Variation ID: 212870). Based on the evidence outlined above, the variant was classified as uncertain significance.

Labcorp Genetics (formerly Invitae), Labcorp
Classification: Uncertain significance for HYPERHOMOCYSTEINEMIA, THROMBOTIC, CBS-RELATED. Last evaluated: 2022-08-12. Review status: criteria provided, single submitter. Criteria: Invitae Variant Classification Sherloc (09022015). Collection method: clinical testing. Allele origin: germline.
Comment: This sequence change replaces histidine, which is basic and polar, with arginine, which is basic and polar, at codon 22 of the CBS protein (p.His22Arg). This variant is present in population databases (rs763151207, gnomAD 0.01%). This variant has not been reported in the literature in individuals affected with CBS-related conditions. ClinVar contains an entry for this variant (Variation ID: 212870). Algorithms developed to predict the effect of missense changes on protein structure and function output the following: SIFT: "Tolerated"; PolyPhen-2: "Benign"; Align-GVGD: "Class C0". The arginine amino acid residue is found in multiple mammalian species, which suggests that this missense change does not adversely affect protein function. In summary, the available evidence is currently insufficient to determine the role of this variant in disease. Therefore, it has been classified as a Variant of Uncertain Significance.

Mayo Clinic Laboratories, Mayo Clinic
Classification: Uncertain significance. Last evaluated: 2021-06-02. Review status: criteria provided, single submitter. Criteria: ACMG Guidelines, 2015. Collection method: clinical testing. Allele origin: germline.

Natera, Inc.
Classification: Uncertain significance for Homocystinuria due to cystathionine beta-synthase deficiency. Last evaluated: 2020-09-16. Review status: no assertion criteria provided. Collection method: clinical testing. Allele origin: germline. Not counted in ClinVar's aggregate classification.

Literature cited by the submitters: PubMed 32818659 (cited by Women's Health and Genetics/Laboratory Corporation of America, LabCorp).